The following is an entry in ClinVar:

ClinVar aggregate classification (germline): Uncertain significance (1 of 4 stars; one submission).

Conditions:
Cardiovascular phenotype. Identifiers: MedGen CN230736.

gnomAD v4.1: 4 of 1,614,024 alleles (0.00025%); highest among the groups gnomAD compares: Non-Finnish European, 0.00034%; no homozygotes.

Submission:

Ambry Genetics
Classification: Uncertain significance for Cardiovascular phenotype. Last evaluated: 2026-07-31. Review status: criteria provided, single submitter. Criteria: Ambry Variant Classification Scheme 2023. Collection method: clinical testing. Allele origin: germline.
Comment: The p.L3781W variant (also known as c.11342T>G), located in coding exon 47 of the AKAP9 gene, results from a T to G substitution at nucleotide position 11342. The leucine at codon 3781 is replaced by tryptophan, an amino acid with similar properties. This amino acid position is conserved. In addition, the in silico prediction for this alteration is inconclusive. Based on the available evidence, the clinical significance of this variant remains unclear.

NM_005751.5(AKAP9):c.11342T>G (p.Leu3781Trp)

Gene: AKAP9 (A-kinase anchoring protein 9; plus strand). Cytogenetic location: 7q21.2.
Variant type: single nucleotide variant.
Coding change: c.11342T>G on transcript NM_005751.5 (MANE Select); coding-DNA position 11342, T replaced by G.
Protein change: p.Leu3781Trp; replaces leucine 3781 with tryptophan.
Molecular consequence: missense variant.
Genome position (GRCh38, 1-based): chr7:92,105,689, T>G. VCF-style: chr7-92105689-T-G. GRCh37 (hg19) VCF-style: chr7-91735003-T-G.
Other names: c.5987T>G, p.Leu1996Trp (NM_001379277.1); c.11318T>G, p.Leu3773Trp (NM_147185.3); short protein forms L3781W, L3773W, L1996W.
Identifiers: ClinVar variation 5033998 (VCV005033998.1).